The following is an entry in ClinVar:

NM_000380.4(XPA):c.774dup (p.Lys259Ter)

Gene: XPA (XPA, DNA damage recognition and repair factor; minus strand). Cytogenetic location: 9q22.33.
Variant type: Duplication.
Coding change: c.774dup on transcript NM_000380.4 (MANE Select); coding-DNA position 774, one base duplicated (T; older notation c.774dupT).
Protein change: p.Lys259Ter; replaces lysine 259 with a stop codon.
Molecular consequence: nonsense. On other transcripts: non-coding transcript variant (5).
Genome position (GRCh38, 1-based): chr9:97,675,487, A duplicated on the plus strand (T on the coding strand, the reverse complement: XPA is on the minus strand). VCF-style (leftmost placement, unchanged base first): chr9-97675486-T-TA. GRCh37 (hg19) VCF-style: chr9-100437768-T-TA.
Other names: c.774dupT (NM_000380.3); c.648dup, p.Lys217Ter (NM_001354975.2); short protein forms K259*, K217*.
Identifiers: ClinVar variation 558017 (VCV000558017.7), dbSNP rs752573039, ClinGen allele CA5148677.

ClinVar aggregate classification (germline): Pathogenic/Likely pathogenic. Review status: criteria provided, multiple submitters, no conflicts (2 of 4 stars). 3 submissions from 3 submitters: Pathogenic (1); Likely pathogenic (1). 1 of the submissions does not count toward it. Last evaluated 2024-03-14.

Conditions:
Xeroderma pigmentosum group A (XPA). Also called: Xeroderma pigmentosum, complementation group A; XP, group A; XPA-Related Xeroderma Pigmentosum. Identifiers: Orphanet 910, MedGen C0268135, MONDO:0010210, OMIM 278700.

Allele frequency attached by ClinVar (database versions not stated): gnomAD exomes below 0.00001 and 0.00002; ExAC 0.00002; gnomAD 0.00002; TOPMed 0.00002.

Submissions (3):

Baylor Genetics
Classification: Likely pathogenic for Xeroderma pigmentosum group A. Last evaluated: 2024-03-14. Review status: criteria provided, single submitter. Criteria: ACMG Guidelines, 2015. Collection method: clinical testing. Allele origin: unknown.

Labcorp Genetics (formerly Invitae), Labcorp
Classification: Pathogenic. Last evaluated: 2023-09-21. Review status: criteria provided, single submitter. Criteria: Invitae Variant Classification Sherloc (09022015). Collection method: clinical testing. Allele origin: germline.
Comment: ClinVar contains an entry for this variant (Variation ID: 558017). This variant has not been reported in the literature in individuals affected with XPA-related conditions. This variant is present in population databases (rs752573039, gnomAD 0.007%). This sequence change creates a premature translational stop signal (p.Lys259*) in the XPA gene. While this is not anticipated to result in nonsense mediated decay, it is expected to disrupt the last 15 amino acid(s) of the XPA protein. This variant disrupts a region of the XPA protein in which other variant(s) (p.Thr260Ilefs*9) have been determined to be pathogenic (PMID: 20574439). This suggests that this is a clinically significant region of the protein, and that variants that disrupt it are likely to be disease-causing. For these reasons, this variant has been classified as Pathogenic.

Counsyl
Classification: Likely pathogenic for Xeroderma pigmentosum group A. Last evaluated: 2018-04-24. Review status: no assertion criteria provided. Collection method: clinical testing. Allele origin: unknown. Not counted in ClinVar's aggregate classification.

Literature cited by the submitters: PubMed 20574439 (cited by Labcorp Genetics (formerly Invitae), Labcorp and Counsyl).